The following is an entry in ClinVar:

NM_001084.5(PLOD3):c.1617C>G (p.Asp539Glu)

Gene: PLOD3 (procollagen-lysine,2-oxoglutarate 5-dioxygenase 3; minus strand). Cytogenetic location: 7q22.1.
Variant type: single nucleotide variant.
Coding change: c.1617C>G on transcript NM_001084.5 (MANE Select); coding-DNA position 1617, C replaced by G.
Protein change: p.Asp539Glu; replaces aspartic acid 539 with glutamic acid.
Molecular consequence: missense variant.
Genome position (GRCh38, 1-based): chr7:101,210,159, G>C on the plus strand (C>G on the coding strand, the complement: PLOD3 is on the minus strand). VCF-style: chr7-101210159-G-C. GRCh37 (hg19) VCF-style: chr7-100853440-G-C.
Other names: short protein forms D539E.
Identifiers: ClinVar variation 2025639 (VCV002025639.4), dbSNP rs2535164063, ClinGen allele CA368613469.
Genomic context (GRCh38, chr7:101,210,159, plus strand): 5'-CACGATTCCTTCCCCTTCCAGGGCCCGGCTGTAGTTCTCGTGGATGTACTGCTCCTTCCA[G>C]TCCTGTGAGAGGGTGGGGGGCACATCAGATCTGTGCCCCCCTCGCTCCCAGCCCCCAGGG-3'
Protein context (NP_001075.1, residues 529-549): DLWQIFDNPV[Asp539Glu]WKEQYIHENY

ClinVar aggregate classification (germline): Uncertain significance (1 of 4 stars; one submission).

Submission:

Labcorp Genetics (formerly Invitae), Labcorp
Classification: Uncertain significance. Last evaluated: 2022-08-22. Review status: criteria provided, single submitter. Criteria: Invitae Variant Classification Sherloc (09022015). Collection method: clinical testing. Allele origin: germline.
Comment: In summary, the available evidence is currently insufficient to determine the role of this variant in disease. Therefore, it has been classified as a Variant of Uncertain Significance. Algorithms developed to predict the effect of missense changes on protein structure and function (SIFT, PolyPhen-2, Align-GVGD) all suggest that this variant is likely to be tolerated. This variant has not been reported in the literature in individuals affected with PLOD3-related conditions. This variant is not present in population databases (gnomAD no frequency). This sequence change replaces aspartic acid, which is acidic and polar, with glutamic acid, which is acidic and polar, at codon 539 of the PLOD3 protein (p.Asp539Glu).